The following is an entry in ClinVar:

NM_018475.5(TMEM165):c.489A>C (p.Ser163=)

Gene: TMEM165 (transmembrane protein 165; plus strand). Cytogenetic location: 4q12.
Variant type: single nucleotide variant.
Coding change: c.489A>C on transcript NM_018475.5 (MANE Select); coding-DNA position 489, A replaced by C.
Protein change: p.Ser163=; no amino-acid change (serine 163 retained).
Molecular consequence: synonymous variant. On other transcripts: non-coding transcript variant (1).
Genome position (GRCh38, 1-based): chr4:55,417,127, A>C. VCF-style: chr4-55417127-A-C. GRCh37 (hg19) VCF-style: chr4-56283294-A-C.
Identifiers: ClinVar variation 3052243 (VCV003052243.2), dbSNP rs1434023803, ClinGen allele CA439480336.

ClinVar aggregate classification (germline): Likely benign (0 of 4 stars; one submission).

Conditions:
TMEM165-related disorder. Also called: TMEM165-related condition.

Allele frequency attached by ClinVar (database versions not stated): gnomAD exomes below 0.00001.
gnomAD v4.1: 2 of 1,613,952 alleles (0.00012%); highest among the groups gnomAD compares: South Asian, 0.0022%; no homozygotes.

Submission:

PreventionGenetics, part of Exact Sciences
Classification: Likely benign for TMEM165-related condition. Last evaluated: 2020-03-30. Review status: no assertion criteria provided. Collection method: clinical testing. Allele origin: germline.
Comment: This variant is classified as likely benign based on ACMG/AMP sequence variant interpretation guidelines (Richards et al. 2015 PMID: 25741868, with internal and published modifications).